The following is an entry in ClinVar:

ClinVar aggregate classification (germline): Pathogenic. Review status: criteria provided, multiple submitters, no conflicts (2 of 4 stars). 5 submissions from 5 submitters: Pathogenic (3). 2 of the submissions do not count toward it. Last evaluated 2024-12-19.

Conditions:
Hereditary von Willebrand disease. Identifiers: Orphanet 903, MedGen C5703318, MONDO:0019565. Inheritance: Autosomal recessive or Autosomal dominant.
von Willebrand disease type 1 (VWD1). Also called: VWD, TYPE 1; VON WILLEBRAND DISEASE, TYPE I. Identifiers: Orphanet 166078, Orphanet 903, MedGen C1264039, MONDO:0008668, OMIM 193400. Inheritance: autosomal recessive or autosomal dominant.
von Willebrand disease type 3 (VWD3). Also called: Type 3 Von Willebrand's disease; Type 3 VWD; Von Willebrand disease, severe form; V WD3; VON WILLEBRAND DISEASE, TYPE III. Identifiers: Orphanet 166096, MedGen C1264041, MONDO:0010191, OMIM 277480.

Allele frequency attached by ClinVar (database versions not stated): TOPMed 0.00001; gnomAD 0.00002 and 0.00003; gnomAD exomes 0.00002 and 0.00003; ExAC 0.00003.
gnomAD v4.1: 45 of 1,613,678 alleles (0.0028%); highest among the groups gnomAD compares: East Asian, 0.0067%; no homozygotes.

Submissions (5):

Genomic Medicine Center of Excellence, King Faisal Specialist Hospital and Research Centre
Classification: Pathogenic for von Willebrand disease type 1. Last evaluated: 2024-12-19. Review status: criteria provided, single submitter. Criteria: ACMG Guidelines, 2015. Collection method: clinical testing. Allele origin: germline.

Women's Health and Genetics/Laboratory Corporation of America, LabCorp
Classification: Pathogenic for von Willebrand disorder. Last evaluated: 2023-12-21. Review status: criteria provided, single submitter. Criteria: LabCorp Variant Classification Summary - May 2015. Collection method: clinical testing. Allele origin: germline.
Comment: Variant summary: VWF c.3379+1G>A is located in a canonical splice-site and is predicted to affect mRNA splicing resulting in a significantly altered protein due to either exon skipping, shortening, or inclusion of intronic material. Several computational tools predict a significant impact on normal splicing: four predict the variant abolishes a 5' splicing donor site. At least one publication reports experimental evidence that this variant affects mRNA splicing (e.g., Borras_2019). The variant allele was found at a frequency of 2e-05 in 249248 control chromosomes (gnomAD). The available data on variant occurrences in the general population are insufficient to allow any conclusion about variant significance. c.3379+1G>A has been reported in the literature in compound heterozygous and homozygous individuals affected with Type 3 Von Willebrand Disease (e.g., Baronciani_2003, Mohl_2011) and was shown to segregate with disease in a family affected with Type 1 VWD (e.g., Cumming_2006). These data indicate that the variant is very likely to be associated with disease. The following publications have been ascertained in the context of this evaluation (PMID: 12737944, 30361419, 21362127, 17080221). Two submitters have reported clinical-significance assessments for this variant to ClinVar after 2014. All submitters classified the variant as pathogenic. Based on the evidence outlined above, the variant was classified as pathogenic.

NIHR Bioresource Rare Diseases, University of Cambridge
Classification: Pathogenic for von Willebrand disorder. Last evaluated: 2019-02-01. Review status: criteria provided, single submitter. Criteria: ACMG Guidelines, 2015. Collection method: research. Allele origin: unknown. Affected: yes. Observed: 1 compound heterozygote. Study: ThromboGenomics.

Angelo Bianchi Bonomi Hemophilia and Thrombosis Center, Fondazione IRCCS Ca Granda Ospedale Maggiore Policlinico
Classification: Pathogenic for von Willebrand disease type 3. Last evaluated: 2020-11-01. Review status: no assertion criteria provided. Collection method: clinical testing. Allele origin: germline. Affected: yes. Study: Type 3 Von Willebrand International Registries Inhibitor Prospective Study (3WINTERS-IPS). Not counted in ClinVar's aggregate classification.
Comment: ClinGen Pathogenicity Calculator

Academic Unit of Haematology, University of Sheffield
No classification provided. Review status: no classification provided. Collection method: not provided. Allele origin: not provided. Not counted in ClinVar's aggregate classification.

Literature cited by the submitters: PubMed 12737944 (cited by Women's Health and Genetics/Laboratory Corporation of America, LabCorp); PubMed 17080221 (cited by Women's Health and Genetics/Laboratory Corporation of America, LabCorp); PubMed 21362127 (cited by Women's Health and Genetics/Laboratory Corporation of America, LabCorp); PubMed 30361419 (cited by Women's Health and Genetics/Laboratory Corporation of America, LabCorp); PubMed 31064749 (cited by NIHR Bioresource Rare Diseases, University of Cambridge).

NM_000552.5(VWF):c.3379+1G>A

Gene: VWF (von Willebrand factor; minus strand). Cytogenetic location: 12p13.31.
Variant type: single nucleotide variant.
Coding change: c.3379+1G>A on transcript NM_000552.5 (MANE Select); the canonical splice donor site of the intron after coding-DNA position 3379, G replaced by A.
Molecular consequence: splice donor variant.
Genome position (GRCh38, 1-based): chr12:6,023,630, C>T on the plus strand (G>A on the coding strand, the complement: VWF is on the minus strand). VCF-style: chr12-6023630-C-T. GRCh37 (hg19) VCF-style: chr12-6132796-C-T.
Identifiers: ClinVar variation 100257 (VCV000100257.9), dbSNP rs2363337, ClinGen allele CA228398.